The following is an entry in ClinVar:

NM_000051.4(ATM):c.927A>T (p.Arg309Ser)

Gene: ATM (ATM serine/threonine kinase; plus strand). Cytogenetic location: 11q22.3.
Variant type: single nucleotide variant.
Coding change: c.927A>T on transcript NM_000051.4 (MANE Select); coding-DNA position 927, A replaced by T.
Protein change: p.Arg309Ser; replaces arginine 309 with serine.
Molecular consequence: missense variant.
Genome position (GRCh38, 1-based): chr11:108,246,989, A>T. VCF-style: chr11-108246989-A-T. GRCh37 (hg19) VCF-style: chr11-108117716-A-T.
Other names: c.927A>T, p.Arg309Ser (NM_001351834.2); short protein forms R309S.
Identifiers: ClinVar variation 576978 (VCV000576978.14), dbSNP rs935834518, ClinGen allele CA228386316.

ClinVar aggregate classification (germline): Uncertain significance. Review status: criteria provided, multiple submitters, no conflicts (2 of 4 stars). 5 submissions from 5 submitters: Uncertain significance (5). Last evaluated 2025-11-06.

Conditions:
Ataxia-telangiectasia syndrome (AT). Also called: Cerebello-oculocutaneous telangiectasia; Immunodeficiency with ataxia telangiectasia; Ataxia telangiectasia (A-T); Ataxia-telangiectasia, complementation group E; LOUIS-BAR SYNDROME; Ataxia-telangiectasia. Identifiers: Orphanet 100, MedGen C0004135, MONDO:0008840, OMIM 208900.
Hereditary cancer-predisposing syndrome. Also called: Hereditary neoplastic syndrome; Tumor predisposition; Hereditary Cancer Syndrome; Neoplastic Syndromes, Hereditary. Identifiers: Orphanet 140162, MedGen C0027672, MeSH D009386, MONDO:0015356.

Submissions (5):

Labcorp Genetics (formerly Invitae), Labcorp
Classification: Uncertain significance for Ataxia-telangiectasia syndrome. Last evaluated: 2025-11-06. Review status: criteria provided, single submitter. Criteria: Invitae Variant Classification Sherloc (09022015). Collection method: clinical testing. Allele origin: germline.
Comment: This sequence change replaces arginine, which is basic and polar, with serine, which is neutral and polar, at codon 309 of the ATM protein (p.Arg309Ser). This variant is not present in population databases (gnomAD no frequency). This variant has not been reported in the literature in individuals affected with ATM-related conditions. ClinVar contains an entry for this variant (Variation ID: 576978). Invitae Evidence Modeling of protein sequence and biophysical properties (such as structural, functional, and spatial information, amino acid conservation, physicochemical variation, residue mobility, and thermodynamic stability) indicates that this missense variant is not expected to disrupt ATM protein function with a negative predictive value of 95%. In summary, the available evidence is currently insufficient to determine the role of this variant in disease. Therefore, it has been classified as a Variant of Uncertain Significance.

Quest Diagnostics Nichols Institute San Juan Capistrano
Classification: Uncertain significance. Last evaluated: 2025-09-10. Review status: criteria provided, single submitter. Criteria: Quest Diagnostics criteria. Collection method: clinical testing. Allele origin: unknown.

Ambry Genetics
Classification: Uncertain significance for Hereditary cancer-predisposing syndrome. Last evaluated: 2025-01-17. Review status: criteria provided, single submitter. Criteria: Ambry Variant Classification Scheme 2023. Collection method: clinical testing. Allele origin: germline.
Comment: The p.R309S variant (also known as c.927A>T), located in coding exon 7 of the ATM gene, results from an A to T substitution at nucleotide position 927. The arginine at codon 309 is replaced by serine, an amino acid with dissimilar properties. This amino acid position is poorly conserved in available vertebrate species. In addition, this alteration is predicted to be tolerated by in silico analysis. Based on the available evidence, the clinical significance of this variant remains unclear.

Revvity Omics, Revvity
Classification: Uncertain significance for Ataxia-telangiectasia syndrome. Last evaluated: 2022-07-31. Review status: criteria provided, single submitter. Criteria: ACMG Guidelines, 2015. Collection method: clinical testing. Allele origin: germline.

GeneDx
Classification: Uncertain significance. Last evaluated: 2019-05-13. Review status: criteria provided, single submitter. Criteria: GeneDx Variant Classification Process June 2021. Collection method: clinical testing. Allele origin: germline. Affected: yes.
Comment: Not observed at a significant frequency in large population cohorts (Lek et al., 2016); Has not been previously published as pathogenic or benign to our knowledge